The following is an entry in ClinVar:

NM_006929.5(SKIC2):c.316del (p.Arg106fs)

Gene: SKIC2 (SKI2 subunit of superkiller complex; plus strand). Cytogenetic location: 6p21.33.
Variant type: Deletion.
Coding change: c.316del on transcript NM_006929.5 (MANE Select); coding-DNA position 316, one base deleted (A; older notation c.316delA).
Protein change: p.Arg106fs; shifts the reading frame from arginine 106.
Molecular consequence: frameshift variant.
Genome position (GRCh38, 1-based): chr6:31,960,299, A deleted; the last of 3 consecutive A bases (chr6:31,960,297-31,960,299); deleting any one gives the same sequence. VCF-style (leftmost placement, unchanged base first): chr6-31960296-CA-C. GRCh37 (hg19) VCF-style: chr6-31928073-CA-C.
Other names: short protein forms R106fs.
Identifiers: ClinVar variation 2856900 (VCV002856900.3), dbSNP rs1772395170, ClinGen allele CA1619377380.

ClinVar aggregate classification (germline): Pathogenic (1 of 4 stars; one submission).

Submission:

Labcorp Genetics (formerly Invitae), Labcorp
Classification: Pathogenic. Last evaluated: 2023-05-03. Review status: criteria provided, single submitter. Criteria: Invitae Variant Classification Sherloc (09022015). Collection method: clinical testing. Allele origin: germline.
Comment: This variant has not been reported in the literature in individuals affected with SKIV2L-related conditions. For these reasons, this variant has been classified as Pathogenic. This variant is not present in population databases (gnomAD no frequency). This sequence change creates a premature translational stop signal (p.Arg106Aspfs*59) in the SKIV2L gene. It is expected to result in an absent or disrupted protein product. Loss-of-function variants in SKIV2L are known to be pathogenic (PMID: 22444670).

Literature cited by the submitters: PubMed 22444670.